The following is an entry in ClinVar:

NM_153252.5(BRWD3):c.1823G>A (p.Arg608Gln)

Gene: BRWD3 (bromodomain and WD repeat domain containing 3; minus strand). Cytogenetic location: Xq21.1.
Variant type: single nucleotide variant.
Coding change: c.1823G>A on transcript NM_153252.5 (MANE Select); coding-DNA position 1823, G replaced by A.
Protein change: p.Arg608Gln; replaces arginine 608 with glutamine.
Molecular consequence: missense variant.
Genome position (GRCh38, 1-based): chrX:80,722,615, C>T on the plus strand (G>A on the coding strand, the complement: BRWD3 is on the minus strand). VCF-style: chrX-80722615-C-T. GRCh37 (hg19) VCF-style: chrX-79978114-C-T.
Other names: short protein forms R608Q.
Identifiers: ClinVar variation 1311472 (VCV001311472.2), dbSNP rs751313444, ClinGen allele CA10462130.

ClinVar aggregate classification (germline): Uncertain significance (1 of 4 stars; one submission).

Allele frequency attached by ClinVar (database versions not stated): gnomAD exomes below 0.00001 and 0.00001; ExAC 0.00001; gnomAD 0.00002; TOPMed 0.00002.
gnomAD v4.1: 3 of 1,209,681 alleles (0.00025%); highest among the groups gnomAD compares: Admixed American, 0.0022%; no homozygotes.

Submission:

GeneDx
Classification: Uncertain significance. Last evaluated: 2019-12-30. Review status: criteria provided, single submitter. Criteria: GeneDx Variant Classification Process June 2021. Collection method: clinical testing. Allele origin: germline. Affected: yes.
Comment: Not observed at a significant frequency in large population cohorts (Lek et al., 2016); In silico analysis, which includes protein predictors and evolutionary conservation, supports a deleterious effect; Has not been previously published as pathogenic or benign to our knowledge